The following is an entry in ClinVar:

NM_182931.3(KMT2E):c.3784A>T (p.Arg1262Ter)

Gene: KMT2E (lysine methyltransferase 2E (inactive); plus strand). Cytogenetic location: 7q22.3.
Variant type: single nucleotide variant.
Coding change: c.3784A>T on transcript NM_182931.3 (MANE Select); coding-DNA position 3784, A replaced by T.
Protein change: p.Arg1262Ter; replaces arginine 1262 with a stop codon.
Molecular consequence: nonsense.
Genome position (GRCh38, 1-based): chr7:105,110,308, A>T. VCF-style: chr7-105110308-A-T. GRCh37 (hg19) VCF-style: chr7-104750755-A-T.
Other names: c.3784A>T, p.Arg1262Ter (NM_001410908.1, NM_018682.4); short protein forms R1262*.
Identifiers: ClinVar variation 2429009 (VCV002429009.4), dbSNP rs2536517599, ClinGen allele CA368790633.
Genomic context (GRCh38, chr7:105,110,308, plus strand): 5'-CAATAGAGGATAATGTGATTTTTCTTTGAAAGGACTGCCTCAACTTCAGTGGAACAAGTC[A>T]GAGAAAGGAGTTATCAGAGAGCTTTACTTCTCAGTGATCACCGAAAAGATAAAGATAGTG-3'

ClinVar aggregate classification (germline): Likely pathogenic (1 of 4 stars; one submission).

Conditions:
O'Donnell-Luria-Rodan syndrome (ODLURO). Also called: KMT2E-Related Neurodevelopmental Disorder. Identifiers: MedGen C5193138, MONDO:0032793, OMIM 618512.

Submission:

Greenwood Genetic Center Diagnostic Laboratories, Greenwood Genetic Center
Classification: Likely pathogenic for O'Donnell-Luria-Rodan syndrome. Last evaluated: 2022-11-28. Review status: criteria provided, single submitter. Criteria: ACMG Guidelines, 2015. Collection method: clinical testing. Allele origin: germline. Affected: yes.
Comment: PVS1, PM2